The following is an entry in ClinVar:

NM_001377.3(DYNC2H1):c.6925C>T (p.Arg2309Trp)

Gene: DYNC2H1 (dynein cytoplasmic 2 heavy chain 1; plus strand). Cytogenetic location: 11q22.3.
Variant type: single nucleotide variant.
Coding change: c.6925C>T on transcript NM_001377.3 (MANE Select); coding-DNA position 6925, C replaced by T.
Protein change: p.Arg2309Trp; replaces arginine 2309 with tryptophan.
Molecular consequence: missense variant.
Genome position (GRCh38, 1-based): chr11:103,187,371, C>T. VCF-style: chr11-103187371-C-T. GRCh37 (hg19) VCF-style: chr11-103058100-C-T.
Other names: c.6925C>T, p.Arg2309Trp (NM_001080463.2); c.6925C>T (NM_001080463.1); short protein forms R2309W.
Identifiers: ClinVar variation 2061975 (VCV002061975.3), dbSNP rs767143932, ClinGen allele CA6254115.

ClinVar aggregate classification (germline): Uncertain significance. Review status: criteria provided, multiple submitters, no conflicts (2 of 4 stars). 3 submissions from 3 submitters: Uncertain significance (3). Last evaluated 2025-08-26.

Conditions:
Inborn genetic diseases. Identifiers: MedGen C0950123, MeSH D030342.
Jeune thoracic dystrophy. Also called: Jeune syndrome; Infantile thoracic dystrophy; Thoracic pelvic phalangeal dystrophy; Jeune's syndrome; Chondroectodermal dysplasia-like syndrome; Short-rib thoracic dysplasia. Identifiers: Orphanet 474, MedGen C0265275, MONDO:0018770.

Allele frequency attached by ClinVar (database versions not stated): ExAC 0.00001; gnomAD 0.00003; gnomAD exomes 0.00004; TOPMed 0.00006.
gnomAD v4.1: 67 of 1,612,906 alleles (0.0042%); highest among the groups gnomAD compares: Admixed American, 0.013%; no homozygotes.

Submissions (3):

Ambry Genetics
Classification: Uncertain significance for Inborn genetic diseases. Last evaluated: 2025-08-26. Review status: criteria provided, single submitter. Criteria: Ambry Variant Classification Scheme 2023. Collection method: clinical testing. Allele origin: germline.

Blueprint Genetics
Classification: Uncertain significance. Last evaluated: 2023-11-17. Review status: criteria provided, single submitter. Criteria: ACMG Guidelines, 2015. Collection method: clinical testing. Allele origin: germline.

Labcorp Genetics (formerly Invitae), Labcorp
Classification: Uncertain significance for Jeune thoracic dystrophy. Last evaluated: 2022-05-14. Review status: criteria provided, single submitter. Criteria: Invitae Variant Classification Sherloc (09022015). Collection method: clinical testing. Allele origin: germline.
Comment: This sequence change replaces arginine, which is basic and polar, with tryptophan, which is neutral and slightly polar, at codon 2309 of the DYNC2H1 protein (p.Arg2309Trp). This variant is present in population databases (rs767143932, gnomAD 0.003%). This variant has not been reported in the literature in individuals affected with DYNC2H1-related conditions. Algorithms developed to predict the effect of missense changes on protein structure and function are either unavailable or do not agree on the potential impact of this missense change (SIFT: "Deleterious"; PolyPhen-2: "Probably Damaging"; Align-GVGD: "Class C0"). In summary, the available evidence is currently insufficient to determine the role of this variant in disease. Therefore, it has been classified as a Variant of Uncertain Significance.